The following is an entry in ClinVar:

NM_003235.5(TG):c.6669G>A (p.Lys2223=)

Gene: TG (thyroglobulin; plus strand). Cytogenetic location: 8q24.22.
Variant type: single nucleotide variant.
Coding change: c.6669G>A on transcript NM_003235.5 (MANE Select); coding-DNA position 6669, G replaced by A.
Protein change: p.Lys2223=; no amino-acid change (lysine 2223 retained).
Molecular consequence: synonymous variant.
Genome position (GRCh38, 1-based): chr8:133,017,884, G>A. VCF-style: chr8-133017884-G-A. GRCh37 (hg19) VCF-style: chr8-134030129-G-A.
Identifiers: ClinVar variation 778405 (VCV000778405.10), dbSNP rs61743268, ClinGen allele CA4885004.
Genomic context (GRCh38, chr8:133,017,884, plus strand): 5'-TTCCACCCATGGCCGGCTGCTGGGCAGGTCCCAGGCCATCCAGGTGGGTACCTCATGGAA[G>A]CAAGTGGACCAGTTCCTTGGAGTTCCATATGCTGCCCCGCCCCTGGCAGAGAGGCGCTTC-3'
Protein context (NP_003226.4, residues 2213-2233): SQAIQVGTSW[Lys2223=]QVDQFLGVPY

ClinVar aggregate classification (germline): Benign. Review status: criteria provided, multiple submitters, no conflicts (2 of 4 stars). 3 submissions from 3 submitters: Benign (2). 1 of the submissions does not count toward it. Last evaluated 2026-02-02.

Conditions:
TG-related disorder. Also called: TG-related disorders; TG-related condition.

Allele frequency attached by ClinVar (database versions not stated): gnomAD exomes 0.00159 and 0.00438; ExAC 0.00547; gnomAD 0.01655 and 0.01777; 1000 Genomes Project 0.01797; TOPMed 0.01871; ESP Exome Variant Server 0.02007; 1000 Genomes Project 30x 0.02092.
gnomAD v4.1: 4,958 of 1,614,196 alleles (0.31%); highest among the groups gnomAD compares: African/African-American, 5.7%; 133 homozygotes.

Submissions (3):

Labcorp Genetics (formerly Invitae), Labcorp
Classification: Benign. Last evaluated: 2026-02-02. Review status: criteria provided, single submitter. Criteria: Invitae Variant Classification Sherloc (09022015). Collection method: clinical testing. Allele origin: germline.

Breakthrough Genomics
Classification: Benign. Review status: criteria provided, single submitter. Criteria: ACMG Guidelines, 2015. Collection method: not provided. Allele origin: germline. Inheritance: Autosomal recessive inheritance. Affected: yes.

PreventionGenetics, part of Exact Sciences
Classification: Benign for TG-related condition. Last evaluated: 2019-11-20. Review status: no assertion criteria provided. Collection method: clinical testing. Allele origin: germline. Not counted in ClinVar's aggregate classification.
Comment: This variant is classified as benign based on ACMG/AMP sequence variant interpretation guidelines (Richards et al. 2015 PMID: 25741868, with internal and published modifications).